The following is an entry in ClinVar:

NM_000361.3(THBD):c.1245C>T (p.Ala415=)

Gene: THBD (thrombomodulin; minus strand). Cytogenetic location: 20p11.21.
Variant type: single nucleotide variant.
Coding change: c.1245C>T on transcript NM_000361.3 (MANE Select); coding-DNA position 1245, C replaced by T.
Protein change: p.Ala415=; no amino-acid change (alanine 415 retained).
Molecular consequence: synonymous variant.
Genome position (GRCh38, 1-based): chr20:23,048,260, G>A on the plus strand (C>T on the coding strand, the complement: THBD is on the minus strand). VCF-style: chr20-23048260-G-A. GRCh37 (hg19) VCF-style: chr20-23028897-G-A.
Identifiers: ClinVar variation 3653037 (VCV003653037.2).

ClinVar aggregate classification (germline): Uncertain significance (1 of 4 stars; one submission).

Submission:

Labcorp Genetics (formerly Invitae), Labcorp
Classification: Uncertain significance. Last evaluated: 2024-07-03. Review status: criteria provided, single submitter. Criteria: Invitae Variant Classification Sherloc (09022015). Collection method: clinical testing. Allele origin: germline.
Comment: This sequence change affects codon 415 of the THBD mRNA. It is a 'silent' change, meaning that it does not change the encoded amino acid sequence of the THBD protein. This variant is not present in population databases (gnomAD no frequency). This variant has not been reported in the literature in individuals affected with THBD-related conditions. In summary, the available evidence is currently insufficient to determine the role of this variant in disease. Therefore, it has been classified as a Variant of Uncertain Significance.